The following is an entry in ClinVar:

NM_016373.4(WWOX):c.43G>C (p.Glu15Gln)

Gene: WWOX (WW domain containing oxidoreductase; plus strand). Cytogenetic location: 16q23.1.
Variant type: single nucleotide variant.
Coding change: c.43G>C on transcript NM_016373.4 (MANE Select); coding-DNA position 43, G replaced by C.
Protein change: p.Glu15Gln; replaces glutamic acid 15 with glutamine.
Molecular consequence: missense variant. On other transcripts: 5 prime UTR variant (1), non-coding transcript variant (2).
Genome position (GRCh38, 1-based): chr16:78,099,821, G>C. VCF-style: chr16-78099821-G-C. GRCh37 (hg19) VCF-style: chr16-78133718-G-C.
Other names: c.-232G>C (NM_001291997.2); c.43G>C, p.Glu15Gln (NM_130791.5); short protein forms E15Q.
Identifiers: ClinVar variation 3752389 (VCV003752389.2).

ClinVar aggregate classification (germline): Uncertain significance (1 of 4 stars; one submission).

Conditions:
Autosomal recessive spinocerebellar ataxia 12. Also called: SPINOCEREBELLAR ATAXIA WITH MENTAL RETARDATION AND EPILEPSY. Identifiers: Orphanet 284282, MedGen C3280452, MONDO:0013687, OMIM 614322.
Developmental and epileptic encephalopathy, 1 (DEE1). Also called: X-linked infantile spasms; West's syndrome; Tonic spasms with clustering, arrest of psychomotor development and hypsarrhythmia on EEG; X-Linked Infantile Spasm Syndrome; OHTAHARA SYNDROME, X-LINKED; INFANTILE SPASM SYNDROME, X-LINKED 1. Identifiers: MedGen C3463992, MONDO:0010632, OMIM 308350. Disease mechanism: loss of function.

gnomAD v4.1: 1 of 1,580,294 alleles (0.000063%); highest among the groups gnomAD compares: African/African-American, 0.0014%; no homozygotes.

Submission:

Labcorp Genetics (formerly Invitae), Labcorp
Classification: Uncertain significance for Developmental and epileptic encephalopathy, 1; Autosomal recessive spinocerebellar ataxia 12. Last evaluated: 2024-08-13. Review status: criteria provided, single submitter. Criteria: Invitae Variant Classification Sherloc (09022015). Collection method: clinical testing. Allele origin: germline.
Comment: This sequence change replaces glutamic acid, which is acidic and polar, with glutamine, which is neutral and polar, at codon 15 of the WWOX protein (p.Glu15Gln). This variant is not present in population databases (gnomAD no frequency). This missense change has been observed in individual(s) with clinical features of developmental and epileptic encephalopathy (Invitae). In at least one individual the data is consistent with being in trans (on the opposite chromosome) from a pathogenic variant. It has also been observed to segregate with disease in related individuals. An algorithm developed to predict the effect of missense changes on protein structure and function (PolyPhen-2) suggests that this variant is likely to be disruptive. In summary, the available evidence is currently insufficient to determine the role of this variant in disease. Therefore, it has been classified as a Variant of Uncertain Significance.